The following is an entry in ClinVar:

ClinVar aggregate classification (germline): Pathogenic (1 of 4 stars; one submission).

Allele frequency attached by ClinVar (database versions not stated): TOPMed below 0.00001; gnomAD 0.00001.
gnomAD v4.1: 1 of 1,551,380 alleles (0.000064%); highest among the groups gnomAD compares: Non-Finnish European, 0.000087%; no homozygotes.

Submission:

Labcorp Genetics (formerly Invitae), Labcorp
Classification: Pathogenic. Last evaluated: 2022-08-13. Review status: criteria provided, single submitter. Criteria: Invitae Variant Classification Sherloc (09022015). Collection method: clinical testing. Allele origin: germline.
Comment: For these reasons, this variant has been classified as Pathogenic. This premature translational stop signal has been observed in individual(s) with Joubert syndrome (PMID: 25407461). This variant is not present in population databases (gnomAD no frequency). This sequence change creates a premature translational stop signal (p.Trp778*) in the CPLANE1 gene. It is expected to result in an absent or disrupted protein product. Loss-of-function variants in CPLANE1 are known to be pathogenic (PMID: 24178751, 26092869).

Literature cited by the submitters: PubMed 25407461; PubMed 24178751; PubMed 26092869.

NM_001384732.1(CPLANE1):c.2334G>A (p.Trp778Ter)

Gene: CPLANE1 (ciliogenesis and planar polarity effector complex subunit 1; minus strand). Cytogenetic location: 5p13.2.
Variant type: single nucleotide variant.
Coding change: c.2334G>A on transcript NM_001384732.1 (MANE Select); coding-DNA position 2334, G replaced by A.
Protein change: p.Trp778Ter; replaces tryptophan 778 with a stop codon.
Molecular consequence: nonsense.
Genome position (GRCh38, 1-based): chr5:37,224,698, C>T on the plus strand (G>A on the coding strand, the complement: CPLANE1 is on the minus strand). VCF-style: chr5-37224698-C-T. GRCh37 (hg19) VCF-style: chr5-37224800-C-T.
Other names: c.2334G>A, p.Trp778Ter (NM_023073.4); short protein forms W778*.
Identifiers: ClinVar variation 2203640 (VCV002203640.4), dbSNP rs1796061500, ClinGen allele CA359493550.